The following is an entry in ClinVar:

NM_005422.4(TECTA):c.2184C>T (p.Ser728=)

Genes: TBCEL-TECTA (TBCEL-TECTA readthrough; plus strand), TECTA (tectorin alpha; plus strand). Cytogenetic location: 11q23.3.
Variant type: single nucleotide variant.
Coding change: c.2184C>T on transcript NM_005422.4 (MANE Select); coding-DNA position 2184, C replaced by T.
Protein change: p.Ser728=; no amino-acid change (serine 728 retained).
Molecular consequence: synonymous variant.
Genome position (GRCh38, 1-based): chr11:121,128,161, C>T. VCF-style: chr11-121128161-C-T. GRCh37 (hg19) VCF-style: chr11-120998870-C-T.
Other names: c.3141C>T, p.Ser1047= (NM_001378761.1).
Identifiers: ClinVar variation 227990 (VCV000227990.44), dbSNP rs148638616, ClinGen allele CA6326924.

ClinVar aggregate classification (germline): Conflicting classifications of pathogenicity. Review status: criteria provided, conflicting classifications (1 of 4 stars). 8 submissions from 7 submitters: Uncertain significance (2); Benign (1); Likely benign (5). Last evaluated 2025-11-02.

Conditions:
TECTA-related disorder. Also called: TECTA-related condition.
Autosomal recessive nonsyndromic hearing loss 21. Identifiers: Orphanet 90636, MedGen C1863655, MONDO:0011351, OMIM 603629.
Autosomal dominant nonsyndromic hearing loss 12. Also called: DEAFNESS, AUTOSOMAL DOMINANT 8. Identifiers: Orphanet 90635, MedGen C1832187, MONDO:0011102, OMIM 601543.

Allele frequency attached by ClinVar (database versions not stated): gnomAD 0.00007; gnomAD exomes 0.00009 and 0.00014; ExAC 0.00010; TOPMed 0.00010; ESP Exome Variant Server 0.00023.
gnomAD v4.1: 144 of 1,610,998 alleles (0.0089%); highest among the groups gnomAD compares: Middle Eastern, 0.049%; no homozygotes.

Submissions (8):

PreventionGenetics, part of Exact Sciences
Classification: Likely benign for TECTA-related condition. Last evaluated: 2025-11-02. Review status: criteria provided, single submitter. Criteria: ACMG Guidelines, 2015. Collection method: clinical testing. Allele origin: germline.
Comment: This variant is classified as likely benign based on ACMG/AMP sequence variant interpretation guidelines (Richards et al. 2015 PMID: 25741868, with internal and published modifications).

Labcorp Genetics (formerly Invitae), Labcorp
Classification: Likely benign. Last evaluated: 2025-10-09. Review status: criteria provided, single submitter. Criteria: Invitae Variant Classification Sherloc (09022015). Collection method: clinical testing. Allele origin: germline.

Blueprint Genetics
Classification: Benign. Last evaluated: 2024-08-15. Review status: criteria provided, single submitter. Criteria: ACMG Guidelines, 2015. Collection method: clinical testing. Allele origin: germline.

CeGaT Center for Human Genetics Tuebingen
Classification: Likely benign. Last evaluated: 2022-10-01. Review status: criteria provided, single submitter. Criteria: CeGaT Center For Human Genetics Tuebingen Variant Classification Criteria Version 2. Collection method: clinical testing. Allele origin: germline. Affected: yes. Observed: 1 variant allele.
Comment: TBCEL-TECTA: BP4, BP7; TECTA: BP4, BP7

GeneDx
Classification: Likely benign. Last evaluated: 2020-01-08. Review status: criteria provided, single submitter. Criteria: GeneDx Variant Classification Process June 2021. Collection method: clinical testing. Allele origin: germline. Affected: yes.

Illumina Laboratory Services, Illumina
Classification: Uncertain significance for Autosomal dominant nonsyndromic hearing loss 12. Last evaluated: 2018-01-13. Review status: criteria provided, single submitter. Criteria: ICSL Variant Classification Criteria 13 December 2019. Collection method: clinical testing. Allele origin: germline.

Illumina Laboratory Services, Illumina
Classification: Uncertain significance for Autosomal recessive nonsyndromic hearing loss 21. Last evaluated: 2018-01-13. Review status: criteria provided, single submitter. Criteria: ICSL Variant Classification Criteria 13 December 2019. Collection method: clinical testing. Allele origin: germline.

Laboratory for Molecular Medicine, Mass General Brigham Personalized Medicine
Classification: Likely benign. Last evaluated: 2015-12-31. Review status: criteria provided, single submitter. Criteria: LMM Criteria. Collection method: clinical testing. Allele origin: germline. Observed: 1 variant allele.
Comment: p.Ser728Ser in Exon 8 of TECTA: This variant is not expected to have clinical si gnificance because it does not alter an amino acid residue, is not located withi n the splice consensus sequence. It has been identified in 10/66568 European chr omosomes by the Exome Aggregation Consortium (ExAC, rg; dbSNP rs148638616).